The following is an entry in ClinVar:

ClinVar aggregate classification (germline): Uncertain significance (1 of 4 stars; one submission).

Conditions:
Hereditary cancer-predisposing syndrome. Also called: Hereditary Cancer Syndrome; Neoplastic Syndromes, Hereditary; Tumor predisposition; Hereditary neoplastic syndrome. Identifiers: Orphanet 140162, MedGen C0027672, MeSH D009386, MONDO:0015356.

Submission:

Ambry Genetics
Classification: Uncertain significance for Hereditary cancer-predisposing syndrome. Last evaluated: 2023-09-07. Review status: criteria provided, single submitter. Criteria: Ambry Variant Classification Scheme 2023. Collection method: clinical testing. Allele origin: germline.
Comment: The p.V304G variant (also known as c.911T>G), located in coding exon 4 of the MSH6 gene, results from a T to G substitution at nucleotide position 911. The valine at codon 304 is replaced by glycine, an amino acid with dissimilar properties. This amino acid position is poorly conserved in available vertebrate species. In addition, this alteration is predicted to be tolerated by in silico analysis. Since supporting evidence is limited at this time, the clinical significance of this alteration remains unclear.

NM_000179.3(MSH6):c.911T>G (p.Val304Gly)

Gene: MSH6 (mutS homolog 6; plus strand). Cytogenetic location: 2p16.3.
Variant type: single nucleotide variant.
Coding change: c.911T>G on transcript NM_000179.3 (MANE Select); coding-DNA position 911, T replaced by G.
Protein change: p.Val304Gly; replaces valine 304 with glycine.
Molecular consequence: missense variant.
Genome position (GRCh38, 1-based): chr2:47,798,894, T>G. VCF-style: chr2-47798894-T-G. GRCh37 (hg19) VCF-style: chr2-48026033-T-G.
Other names: c.521T>G, p.Val174Gly (NM_001281492.2); c.5T>G, p.Val2Gly (NM_001281493.2, NM_001281494.2); short protein forms V304G, V174G, V2G.
Identifiers: ClinVar variation 479955 (VCV000479955.6), dbSNP rs1481054050, ClinGen allele CA346740721.